The following is an entry in ClinVar:

NM_000179.3(MSH6):c.3234A>G (p.Val1078=)

Gene: MSH6 (mutS homolog 6; plus strand). Cytogenetic location: 2p16.3.
Variant type: single nucleotide variant.
Coding change: c.3234A>G on transcript NM_000179.3 (MANE Select); coding-DNA position 3234, A replaced by G.
Protein change: p.Val1078=; no amino-acid change (valine 1078 retained).
Molecular consequence: synonymous variant.
Genome position (GRCh38, 1-based): chr2:47,803,481, A>G. VCF-style: chr2-47803481-A-G. GRCh37 (hg19) VCF-style: chr2-48030620-A-G.
Other names: c.2844A>G, p.Val948= (NM_001281492.2); c.2328A>G, p.Val776= (NM_001281493.2, NM_001281494.2).
Identifiers: ClinVar variation 924451 (VCV000924451.14), dbSNP rs1669737845, ClinGen allele CA426121816.
Genomic context (GRCh38, chr2:47,803,481, plus strand): 5'-TGTTTTACTGTGCCTGGCTAACTATAGTCGAGGGGGTGATGGTCCTATGTGTCGCCCAGT[A>G]ATTCTGTTGCCGGAAGATACCCCCCCCTTCTTAGAGCTTAAAGGATCACGCCATCCTTGC-3'
Protein context (NP_000170.1, residues 1068-1088): RGGDGPMCRP[Val1078=]ILLPEDTPPF

ClinVar aggregate classification (germline): Benign/Likely benign. Review status: criteria provided, multiple submitters, no conflicts (2 of 4 stars). 5 submissions from 5 submitters: Benign (1); Likely benign (4). Last evaluated 2025-11-14.

Conditions:
Lynch syndrome 5 (LYNCH5). Also called: Colorectal cancer, hereditary nonpolyposis, type 5; Hereditary non-polyposis colorectal cancer, type 5. Identifiers: Orphanet 144, MedGen C1833477, MONDO:0013710, OMIM 614350. Disease mechanism: loss of function.
Hereditary nonpolyposis colorectal neoplasms. Identifiers: MedGen C0009405, MeSH D003123.
Hereditary cancer-predisposing syndrome. Also called: Neoplastic Syndromes, Hereditary; Tumor predisposition; Hereditary Cancer Syndrome; Hereditary neoplastic syndrome. Identifiers: Orphanet 140162, MedGen C0027672, MeSH D009386, MONDO:0015356.
Lynch syndrome. Identifiers: Orphanet 144, MedGen C4552100, MONDO:0005835. Disease mechanism: loss of function.

Allele frequency attached by ClinVar (database versions not stated): gnomAD exomes below 0.00001.
gnomAD v4.1: 1 of 1,614,166 alleles (0.000062%); highest among the groups gnomAD compares: Non-Finnish European, 0.000085%; no homozygotes.

Submissions (5):

Labcorp Genetics (formerly Invitae), Labcorp
Classification: Likely benign for Hereditary nonpolyposis colorectal neoplasms. Last evaluated: 2025-11-14. Review status: criteria provided, single submitter. Criteria: Invitae Variant Classification Sherloc (09022015). Collection method: clinical testing. Allele origin: germline.

Myriad Genetics, Inc.
Classification: Benign for Lynch syndrome 5. Last evaluated: 2025-01-03. Review status: criteria provided, single submitter. Criteria: Myriad Autosomal Dominant, Autosomal Recessive and X-Linked Classification Criteria (2023). Collection method: clinical testing. Allele origin: unknown.
Comment: This variant is considered benign. This variant is a silent/synonymous amino acid change and it is not expected to impact splicing.

Ambry Genetics
Classification: Likely benign for Hereditary cancer-predisposing syndrome. Last evaluated: 2024-06-11. Review status: criteria provided, single submitter. Criteria: Ambry Variant Classification Scheme 2023. Collection method: clinical testing. Allele origin: germline.

All of Us Research Program, National Institutes of Health
Classification: Likely benign for Lynch syndrome. Last evaluated: 2023-04-27. Review status: criteria provided, single submitter. Criteria: ACMG Guidelines, 2015. Collection method: clinical testing. Allele origin: germline. Inheritance: Autosomal dominant inheritance. Observed: 1 variant allele, 1 heterozygote.
Comment: This study involves interpretation of variants in research participants for the purpose of population health screening. Participant phenotype was not available at the time of variant classification. Additional details can be found in publication PMID: 35346344, PMCID: PMC8962531

Color Diagnostics, LLC DBA Color Health
Classification: Likely benign for Hereditary cancer-predisposing syndrome. Last evaluated: 2018-12-17. Review status: criteria provided, single submitter. Criteria: ACMG Guidelines, 2015. Collection method: clinical testing. Allele origin: germline.